The following is an entry in ClinVar:

ClinVar aggregate classification (germline): Uncertain significance (1 of 4 stars; one submission).

Allele frequency attached by ClinVar (database versions not stated): gnomAD exomes 0.00001.
gnomAD v4.1: 3 of 1,598,720 alleles (0.00019%); highest among the groups gnomAD compares: Admixed American, 0.0035%; no homozygotes.

Submission:

Labcorp Genetics (formerly Invitae), Labcorp
Classification: Uncertain significance. Last evaluated: 2022-12-06. Review status: criteria provided, single submitter. Criteria: Invitae Variant Classification Sherloc (09022015). Collection method: clinical testing. Allele origin: germline.
Comment: In summary, the available evidence is currently insufficient to determine the role of this variant in disease. Therefore, it has been classified as a Variant of Uncertain Significance. Advanced modeling of protein sequence and biophysical properties (such as structural, functional, and spatial information, amino acid conservation, physicochemical variation, residue mobility, and thermodynamic stability) performed at Invitae indicates that this missense variant is not expected to disrupt GFM2 protein function. ClinVar contains an entry for this variant (Variation ID: 1515131). This variant has not been reported in the literature in individuals affected with GFM2-related conditions. This variant is present in population databases (no rsID available, gnomAD 0.007%). This sequence change replaces methionine, which is neutral and non-polar, with valine, which is neutral and non-polar, at codon 347 of the GFM2 protein (p.Met347Val).

NM_032380.5(GFM2):c.1039A>G (p.Met347Val)

Gene: GFM2 (GTP dependent ribosome recycling factor mitochondrial 2; minus strand). Cytogenetic location: 5q13.3.
Variant type: single nucleotide variant.
Coding change: c.1039A>G on transcript NM_032380.5 (MANE Select); coding-DNA position 1039, A replaced by G.
Protein change: p.Met347Val; replaces methionine 347 with valine.
Molecular consequence: missense variant. On other transcripts: non-coding transcript variant (1).
Genome position (GRCh38, 1-based): chr5:74,740,029, T>C on the plus strand (A>G on the coding strand, the complement: GFM2 is on the minus strand). VCF-style: chr5-74740029-T-C. GRCh37 (hg19) VCF-style: chr5-74035854-T-C.
Other names: c.1135A>G, p.Met379Val (NM_001281302.2); c.1039A>G, p.Met347Val (NM_170681.3, NM_170691.3); short protein forms M347V, M379V.
Identifiers: ClinVar variation 1515131 (VCV001515131.6), dbSNP rs1415940085, ClinGen allele CA360080864.
Genomic context (GRCh38, chr5:74,740,029, plus strand): 5'-ATATGTGATTGCATACTTACAGAAATTCATAGTTACGCTCTTCAGGTGAAGGTAAGTACA[T>C]AGTAACAGCATCTAACAAGGGCTGTATCCCTTTGTTTTTCAGGGCACTTCCACAAAGCAC-3'
Protein context (NP_115756.2, residues 337-357): GIQPLLDAVT[Met347Val]YLPSPEERNY